The following is an entry in ClinVar:

ClinVar aggregate classification (germline): Uncertain significance. Review status: criteria provided, multiple submitters, no conflicts (2 of 4 stars). 2 submissions from 2 submitters: Uncertain significance (2). Last evaluated 2024-08-22.

Conditions:
Amyotrophic lateral sclerosis type 15. Also called: AMYOTROPHIC LATERAL SCLEROSIS 15 WITH FRONTOTEMPORAL DEMENTIA. Identifiers: Orphanet 803, MedGen C3275459, MONDO:0010459, OMIM 300857.

Submissions (2):

GeneDx
Classification: Uncertain significance. Last evaluated: 2024-08-22. Review status: criteria provided, single submitter. Criteria: GeneDx Variant Classification Process June 2021. Collection method: clinical testing. Allele origin: germline. Affected: yes.
Comment: Not observed at significant frequency in large population cohorts (gnomAD); In silico analysis indicates that this missense variant does not alter protein structure/function; Has not been previously published as pathogenic or benign to our knowledge

Labcorp Genetics (formerly Invitae), Labcorp
Classification: Uncertain significance for Amyotrophic lateral sclerosis type 15. Last evaluated: 2023-12-10. Review status: criteria provided, single submitter. Criteria: Invitae Variant Classification Sherloc (09022015). Collection method: clinical testing. Allele origin: germline.
Comment: This sequence change replaces alanine, which is neutral and non-polar, with serine, which is neutral and polar, at codon 26 of the UBQLN2 protein (p.Ala26Ser). This variant is not present in population databases (gnomAD no frequency). This variant has not been reported in the literature in individuals affected with UBQLN2-related conditions. Experimental studies and prediction algorithms are not available or were not evaluated, and the functional significance of this variant is currently unknown. In summary, the available evidence is currently insufficient to determine the role of this variant in disease. Therefore, it has been classified as a Variant of Uncertain Significance.

NM_013444.4(UBQLN2):c.76G>T (p.Ala26Ser)

Gene: UBQLN2 (ubiquilin 2; plus strand). Cytogenetic location: Xp11.21.
Variant type: single nucleotide variant.
Coding change: c.76G>T on transcript NM_013444.4 (MANE Select); coding-DNA position 76, G replaced by T.
Protein change: p.Ala26Ser; replaces alanine 26 with serine.
Molecular consequence: missense variant.
Genome position (GRCh38, 1-based): chrX:56,563,949, G>T. VCF-style: chrX-56563949-G-T. GRCh37 (hg19) VCF-style: chrX-56590382-G-T.
Other names: short protein forms A26S.
Identifiers: ClinVar variation 2702115 (VCV002702115.3), dbSNP rs2519961524, ClinGen allele CA413377512.